The following is an entry in ClinVar:

ClinVar aggregate classification (germline): Uncertain significance (1 of 4 stars; one submission).

Submission:

Labcorp Genetics (formerly Invitae), Labcorp
Classification: Uncertain significance. Last evaluated: 2021-10-08. Review status: criteria provided, single submitter. Criteria: Invitae Variant Classification Sherloc (09022015). Collection method: clinical testing. Allele origin: germline.
Comment: This sequence change replaces asparagine with aspartic acid at codon 300 of the CLCN5 protein (p.Asn300Asp). The asparagine residue is highly conserved and there is a small physicochemical difference between asparagine and aspartic acid. This variant is not present in population databases (ExAC no frequency). This variant has not been reported in the literature in individuals affected with CLCN5-related conditions. Algorithms developed to predict the effect of missense changes on protein structure and function are either unavailable or do not agree on the potential impact of this missense change (SIFT: "Tolerated"; PolyPhen-2: "Possibly Damaging"; Align-GVGD: "Class C0"). In summary, the available evidence is currently insufficient to determine the role of this variant in disease. Therefore, it has been classified as a Variant of Uncertain Significance.

NM_001127898.4(CLCN5):c.1108A>G (p.Asn370Asp)

Gene: CLCN5 (chloride voltage-gated channel 5; plus strand). Cytogenetic location: Xp11.23.
Variant type: single nucleotide variant.
Coding change: c.1108A>G on transcript NM_001127898.4 (MANE Select); coding-DNA position 1108, A replaced by G.
Protein change: p.Asn370Asp; replaces asparagine 370 with aspartic acid.
Molecular consequence: missense variant.
Genome position (GRCh38, 1-based): chrX:50,086,421, A>G. VCF-style: chrX-50086421-A-G. GRCh37 (hg19) VCF-style: chrX-49851078-A-G.
Other names: c.898A>G, p.Asn300Asp (NM_000084.5); c.1108A>G, p.Asn370Asp (NM_001127899.4); c.958A>G, p.Asn320Asp (NM_001282163.2); short protein forms N300D, N370D, N320D.
Identifiers: ClinVar variation 1385435 (VCV001385435.6), dbSNP rs2147595559, ClinGen allele CA413185204.